The following is an entry in ClinVar:

NM_033056.4(PCDH15):c.5291C>T (p.Pro1764Leu)

Gene: PCDH15 (protocadherin related 15; minus strand). Cytogenetic location: 10q21.1.
Variant type: single nucleotide variant.
Coding change: c.5291C>T on transcript NM_033056.4 (MANE Plus Clinical); coding-DNA position 5291, C replaced by T.
Protein change: p.Pro1764Leu; replaces proline 1764 with leucine.
Molecular consequence: missense variant. On other transcripts: intron variant (8).
Genome position (GRCh38, 1-based): chr10:53,822,435, G>A on the plus strand (C>T on the coding strand, the complement: PCDH15 is on the minus strand). VCF-style: chr10-53822435-G-A. GRCh37 (hg19) VCF-style: chr10-55582195-G-A.
Other names: c.5312C>T, p.Pro1771Leu (NM_001142763.2); c.5297C>T, p.Pro1766Leu (NM_001142764.2); c.5084C>T, p.Pro1695Leu (NM_001142765.2); c.5282C>T, p.Pro1761Leu (NM_001142766.2); c.5171C>T, p.Pro1724Leu (NM_001142767.2); c.5231C>T, p.Pro1744Leu (NM_001142768.2); c.5222C>T, p.Pro1741Leu (NM_001142773.2); c.5225C>T, p.Pro1742Leu (NM_001354404.2); and 7 more; short protein forms P1724L, P1764L, P1695L, P1742L, P1771L, P1741L, P1761L, P1766L.
Identifiers: ClinVar variation 2188399 (VCV002188399.4), dbSNP rs2492366361, ClinGen allele CA376525226.

ClinVar aggregate classification (germline): Uncertain significance (1 of 4 stars; one submission).

Submission:

Labcorp Genetics (formerly Invitae), Labcorp
Classification: Uncertain significance. Last evaluated: 2021-12-06. Review status: criteria provided, single submitter. Criteria: Invitae Variant Classification Sherloc (09022015). Collection method: clinical testing. Allele origin: germline.
Comment: In summary, the available evidence is currently insufficient to determine the role of this variant in disease. Therefore, it has been classified as a Variant of Uncertain Significance. Algorithms developed to predict the effect of missense changes on protein structure and function output the following: SIFT: "Tolerated"; PolyPhen-2: "Not Available"; Align-GVGD: "Class C0". The leucine amino acid residue is found in multiple mammalian species, which suggests that this missense change does not adversely affect protein function. This variant has not been reported in the literature in individuals affected with PCDH15-related conditions. This variant is not present in population databases (gnomAD no frequency). This sequence change replaces proline, which is neutral and non-polar, with leucine, which is neutral and non-polar, at codon 1764 of the PCDH15 protein (p.Pro1764Leu).